The following is an entry in ClinVar:

ClinVar aggregate classification (germline): Conflicting classifications of pathogenicity. Review status: criteria provided, conflicting classifications (1 of 4 stars). 2 submissions from 2 submitters: Pathogenic (1); Uncertain significance (1). Last evaluated 2024-10-09.

Conditions:
Bosch-Boonstra-Schaaf optic atrophy syndrome (BBSOAS). Also called: NR2F1-Related Neurodevelopmental Disorder. Identifiers: Orphanet 401777, MedGen C3810363, MONDO:0014320, OMIM 615722.

Submissions (2):

Clinical Genetics Laboratory, Skane University Hospital Lund
Classification: Pathogenic for Bosch-Boonstra-Schaaf optic atrophy syndrome. Last evaluated: 2024-10-09. Review status: criteria provided, single submitter. Criteria: ACMG Guidelines, 2015. Collection method: clinical testing. Allele origin: de novo. Inheritance: Autosomal dominant inheritance. Affected: yes.
Comment: ACMG criteria used: PS2, PM1, PM2, PP2, PP3

Labcorp Genetics (formerly Invitae), Labcorp
Classification: Uncertain significance. Last evaluated: 2022-09-01. Review status: criteria provided, single submitter. Criteria: Invitae Variant Classification Sherloc (09022015). Collection method: clinical testing. Allele origin: germline.
Comment: This sequence change replaces tyrosine, which is neutral and polar, with cysteine, which is neutral and slightly polar, at codon 120 of the NR2F1 protein (p.Tyr120Cys). This variant has not been reported in the literature in individuals affected with NR2F1-related conditions. This variant is not present in population databases (gnomAD no frequency). Advanced modeling of protein sequence and biophysical properties (such as structural, functional, and spatial information, amino acid conservation, physicochemical variation, residue mobility, and thermodynamic stability) performed at Invitae indicates that this missense variant is expected to disrupt NR2F1 protein function. In summary, the available evidence is currently insufficient to determine the role of this variant in disease. Therefore, it has been classified as a Variant of Uncertain Significance.

NM_005654.6(NR2F1):c.359A>G (p.Tyr120Cys)

Genes: NR2F1 (nuclear receptor subfamily 2 group F member 1; plus strand), NR2F1-AS1 (NR2F1 regulatory antisense RNA 1; minus strand). Cytogenetic location: 5q15.
Variant type: single nucleotide variant.
Coding change: c.359A>G on transcript NM_005654.6 (MANE Select); coding-DNA position 359, A replaced by G.
Protein change: p.Tyr120Cys; replaces tyrosine 120 with cysteine.
Molecular consequence: missense variant.
Genome position (GRCh38, 1-based): chr5:93,585,382, A>G. VCF-style: chr5-93585382-A-G. GRCh37 (hg19) VCF-style: chr5-92921088-A-G.
Other names: short protein forms Y120C.
Identifiers: ClinVar variation 1716755 (VCV001716755.6), dbSNP rs2480802300, ClinGen allele CA360526105.